The following is an entry in ClinVar:

ClinVar aggregate classification (germline): Uncertain significance. Review status: criteria provided, multiple submitters, no conflicts (2 of 4 stars). 2 submissions from 2 submitters: Uncertain significance (2). Last evaluated 2020-02-13.

Conditions:
Developmental and epileptic encephalopathy, 1 (DEE1). Also called: X-linked infantile spasms; West's syndrome; Tonic spasms with clustering, arrest of psychomotor development and hypsarrhythmia on EEG; X-Linked Infantile Spasm Syndrome; OHTAHARA SYNDROME, X-LINKED; INFANTILE SPASM SYNDROME, X-LINKED 1. Identifiers: MedGen C3463992, MONDO:0010632, OMIM 308350. Disease mechanism: loss of function.
Autosomal recessive spinocerebellar ataxia 12. Also called: SPINOCEREBELLAR ATAXIA WITH MENTAL RETARDATION AND EPILEPSY. Identifiers: Orphanet 284282, MedGen C3280452, MONDO:0013687, OMIM 614322.

Submissions (2):

Blueprint Genetics
Classification: Uncertain significance. Last evaluated: 2020-02-13. Review status: criteria provided, single submitter. Criteria: ACMG Guidelines, 2015. Collection method: clinical testing. Allele origin: germline.

Labcorp Genetics (formerly Invitae), Labcorp
Classification: Uncertain significance for Developmental and epileptic encephalopathy, 1; Autosomal recessive spinocerebellar ataxia 12. Last evaluated: 2019-06-11. Review status: criteria provided, single submitter. Criteria: Invitae Variant Classification Sherloc (09022015). Collection method: clinical testing. Allele origin: germline.
Comment: In summary, the available evidence is currently insufficient to determine the role of this variant in disease. Therefore, it has been classified as a Variant of Uncertain Significance. Algorithms developed to predict the effect of missense changes on protein structure and function are either unavailable or do not agree on the potential impact of this missense change (SIFT: Not Available; PolyPhen-2: "Benign"; Align-GVGD: Not Available). This variant has not been reported in the literature in individuals with WWOX-related disease. This variant is not present in population databases (ExAC no frequency). This sequence change replaces serine with phenylalanine at codon 281 of the WWOX protein (p.Ser281Phe). The serine residue is moderately conserved and there is a large physicochemical difference between serine and phenylalanine.

NM_016373.4(WWOX):c.842C>T (p.Ser281Phe)

Gene: WWOX (WW domain containing oxidoreductase; plus strand). Cytogenetic location: 16q23.1.
Variant type: single nucleotide variant.
Coding change: c.842C>T on transcript NM_016373.4 (MANE Select); coding-DNA position 842, C replaced by T.
Protein change: p.Ser281Phe; replaces serine 281 with phenylalanine.
Molecular consequence: missense variant.
Genome position (GRCh38, 1-based): chr16:78,432,538, C>T. VCF-style: chr16-78432538-C-T. GRCh37 (hg19) VCF-style: chr16-78466435-C-T.
Other names: c.503C>T, p.Ser168Phe (NM_001291997.2); short protein forms S281F, S168F.
Identifiers: ClinVar variation 572589 (VCV000572589.10), dbSNP rs1567570252, ClinGen allele CA396843129.